The following is an entry in ClinVar:

ClinVar aggregate classification (germline): Uncertain significance (1 of 4 stars; one submission).

Allele frequency attached by ClinVar (database versions not stated): ExAC 0.00001; gnomAD 0.00001; gnomAD exomes 0.00001; TOPMed 0.00002; ESP Exome Variant Server 0.00008.

Submission:

Labcorp Genetics (formerly Invitae), Labcorp
Classification: Uncertain significance. Last evaluated: 2024-10-15. Review status: criteria provided, single submitter. Criteria: Invitae Variant Classification Sherloc (09022015). Collection method: clinical testing. Allele origin: germline.
Comment: This sequence change replaces tyrosine, which is neutral and polar, with cysteine, which is neutral and slightly polar, at codon 363 of the GFM2 protein (p.Tyr363Cys). This variant is present in population databases (rs112155465, gnomAD 0.007%). This variant has not been reported in the literature in individuals affected with GFM2-related conditions. ClinVar contains an entry for this variant (Variation ID: 1519796). Invitae Evidence Modeling of protein sequence and biophysical properties (such as structural, functional, and spatial information, amino acid conservation, physicochemical variation, residue mobility, and thermodynamic stability) has been performed for this missense variant. However, the output from this modeling did not meet the statistical confidence thresholds required to predict the impact of this variant on GFM2 protein function. In summary, the available evidence is currently insufficient to determine the role of this variant in disease. Therefore, it has been classified as a Variant of Uncertain Significance.

NM_032380.5(GFM2):c.1088A>G (p.Tyr363Cys)

Gene: GFM2 (GTP dependent ribosome recycling factor mitochondrial 2; minus strand). Cytogenetic location: 5q13.3.
Variant type: single nucleotide variant.
Coding change: c.1088A>G on transcript NM_032380.5 (MANE Select); coding-DNA position 1088, A replaced by G.
Protein change: p.Tyr363Cys; replaces tyrosine 363 with cysteine.
Molecular consequence: missense variant. On other transcripts: non-coding transcript variant (1), intron variant (1).
Genome position (GRCh38, 1-based): chr5:74,738,634, T>C on the plus strand (A>G on the coding strand, the complement: GFM2 is on the minus strand). VCF-style: chr5-74738634-T-C. GRCh37 (hg19) VCF-style: chr5-74034459-T-C.
Other names: c.1184A>G, p.Tyr395Cys (NM_001281302.2); c.1088A>G, p.Tyr363Cys (NM_170681.3); c.1080-217A>G (NM_170691.3); short protein forms Y363C, Y395C.
Identifiers: ClinVar variation 1519796 (VCV001519796.4), dbSNP rs112155465, ClinGen allele CA3306611.
Genomic context (GRCh38, chr5:74,738,634, plus strand): 5'-AGTGGTCCTCGCTGCTTGTCATGGAGAACTTTAAATGCCAATGCACATAAGTCATCCTTA[T>C]ACCACTGCCTATAAAATAAACATTCCAAAAAGGCCTATAAAATACACTTCCCATAACTGC-3'
Protein context (NP_115756.2, residues 353-373): EERNYEFLQW[Tyr363Cys]KDDLCALAFK